The following is an entry in ClinVar:

NM_020937.4(FANCM):c.4060_4064del (p.Arg1354fs)

Gene: FANCM (FA complementation group M; plus strand). Cytogenetic location: 14q21.2.
Variant type: Deletion.
Coding change: c.4060_4064del on transcript NM_020937.4 (MANE Select); coding-DNA positions 4060 to 4064, 5 bases deleted (AGAAA; older notation c.4060_4064delAGAAA).
Protein change: p.Arg1354fs; shifts the reading frame from arginine 1354.
Molecular consequence: frameshift variant.
Genome position (GRCh38, 1-based): chr14:45,176,814-45,176,818, AGAAA deleted; deleting any 5 consecutive bases within chr14:45,176,813-45,176,818 gives the same sequence; the c. name uses the placement nearest the transcript's 3' end. VCF-style (leftmost placement, unchanged base first): chr14-45176812-TAAGAA-T. GRCh37 (hg19) VCF-style: chr14-45646015-TAAGAA-T.
Other names: c.3982_3986del, p.Arg1328fs (NM_001308133.2); short protein forms R1328fs, R1354fs.
Identifiers: ClinVar variation 2875239 (VCV002875239.3), dbSNP rs2503196861, ClinGen allele CA2624699212.
Genomic context (GRCh38, chr14:45,176,812, plus strand): 5'-AAAAAAAAGTTATGAGTACACCACTCTCTAAATCAAACACATTGAACTCATTTTCTAAGA[TAAGAA>T]AGGAAATACTTAAGACACCAGATTCTAGTAAGGAAAAAGTAAACCTACAAAGATTCAAAG-3'

ClinVar aggregate classification (germline): Pathogenic (1 of 4 stars; one submission).

Conditions:
Fanconi anemia (FA). Also called: Fanconi's anemia. Identifiers: Orphanet 84, MedGen C0015625, MeSH D005199, MONDO:0019391.

Submission:

Labcorp Genetics (formerly Invitae), Labcorp
Classification: Pathogenic for Fanconi anemia. Last evaluated: 2023-05-17. Review status: criteria provided, single submitter. Criteria: Invitae Variant Classification Sherloc (09022015). Collection method: clinical testing. Allele origin: germline.
Comment: For these reasons, this variant has been classified as Pathogenic. This variant has not been reported in the literature in individuals affected with FANCM-related conditions. This variant is not present in population databases (gnomAD no frequency). This sequence change creates a premature translational stop signal (p.Arg1354Glyfs*4) in the FANCM gene. It is expected to result in an absent or disrupted protein product. Loss-of-function variants in FANCM are known to be pathogenic (PMID: 29895858, 30075111).

Literature cited by the submitters: PubMed 29895858; PubMed 30075111.